The following is an entry in ClinVar:

NM_000108.5(DLD):c.*1451T>C

Gene: DLD (dihydrolipoamide dehydrogenase; plus strand). Cytogenetic location: 7q31.1.
Variant type: single nucleotide variant.
Coding change: c.*1451T>C on transcript NM_000108.5 (MANE Select); 1451 bases downstream of the stop codon, T replaced by C.
Molecular consequence: 3 prime UTR variant.
Genome position (GRCh38, 1-based): chr7:107,920,710, T>C. VCF-style: chr7-107920710-T-C. GRCh37 (hg19) VCF-style: chr7-107561155-T-C.
Other names: c.*1451T>C (NM_001289750.1, NM_001289751.1, NM_001289752.1).
Identifiers: ClinVar variation 358588 (VCV000358588.9), dbSNP rs2108223, ClinGen allele CA10622982.
Genomic context (GRCh38, chr7:107,920,710, plus strand): 5'-CCTGTTTTTTGGGGGTTTCCCCTTTATGTTCCAGCTGTTGTGGTTGCCCCATATTCTGCC[T>C]TCTGATCCTTAACCAATAAAACTTGGCTTTTGTTTCCCCCTCAAGTGAGAACCCGTTAAA-3'

ClinVar aggregate classification (germline): Benign. Review status: criteria provided, multiple submitters, no conflicts (2 of 4 stars). 5 submissions from 3 submitters: Benign (5). Last evaluated 2021-05-11.

Conditions:
Pyruvate dehydrogenase E3 deficiency (DLDD). Also called: Lipoamide dehydrogenase deficiency, lactic acidosis due to; Lipoamide dehydrogenase deficiency; Dihydrolipoamide Dehydrogenase (E3) Deficiency; MAPLE SYRUP URINE DISEASE, TYPE III; DLD DEFICIENCY; E3 DEFICIENCY. Identifiers: Orphanet 2394, Orphanet 765, MedGen C5574660, MONDO:0009529, OMIM 246900.
Leigh syndrome (NULS). Also called: Subacute necrotizing encephalopathy; Necrotizing encephalopathy infantile subacute of Leigh; Leigh's syndrome; Leigh Disease; Leigh's necrotizing encephalopathy; Leigh's disease. Identifiers: Orphanet 506, MedGen C2931891, MONDO:0009723, OMIM 256000.
Pyruvate dehydrogenase complex deficiency (PDHC). Also called: Pyruvate dehydrogenase deficiency; Ataxia with lactic acidosis 1; PYRUVATE DECARBOXYLASE DEFICIENCY; PDH DEFICIENCY; Pyruvate Dehydrogenase Complex Deficiency Disease. Identifiers: Orphanet 765, Orphanet 79243, MedGen C0034345, MONDO:0019169.

Allele frequency attached by ClinVar (database versions not stated): gnomAD 0.66003 and 0.66202; TOPMed 0.66776; 1000 Genomes Project 0.71526; 1000 Genomes Project 30x 0.71705; gnomAD exomes 0.85714.
gnomAD v4.1: 100,416 of 152,120 alleles (66%); highest among the groups gnomAD compares: East Asian, 85%; 33,958 homozygotes.

Submissions (5):

GeneDx
Classification: Benign. Last evaluated: 2021-05-11. Review status: criteria provided, single submitter. Criteria: GeneDx Variant Classification Process June 2021. Collection method: clinical testing. Allele origin: germline. Affected: yes.

Illumina Laboratory Services, Illumina
Classification: Benign for Leigh syndrome. Last evaluated: 2018-01-13. Review status: criteria provided, single submitter. Criteria: ICSL Variant Classification Criteria 13 December 2019. Collection method: clinical testing. Allele origin: germline.
Comment: This variant was observed in the ICSL laboratory as part of a predisposition screen in an ostensibly healthy population. It had not been previously curated by ICSL or reported in the Human Gene Mutation Database (HGMD: prior to June 1st, 2018), and was therefore a candidate for classification through an automated scoring system. Utilizing variant allele frequency, disease prevalence and penetrance estimates, and inheritance mode, an automated score was calculated to assess if this variant is too frequent to cause the disease. Based on the score and internal cut-off values, a variant classified as benign is not then subjected to further curation. The score for this variant resulted in a classification of benign for this disease.

Illumina Laboratory Services, Illumina
Classification: Benign for Pyruvate dehydrogenase complex deficiency. Last evaluated: 2018-01-13. Review status: criteria provided, single submitter. Criteria: ICSL Variant Classification Criteria 13 December 2019. Collection method: clinical testing. Allele origin: germline.
Comment: the same text as in the submission from Illumina Laboratory Services, Illumina above.

Illumina Laboratory Services, Illumina
Classification: Benign for Pyruvate dehydrogenase E3 deficiency. Last evaluated: 2018-01-13. Review status: criteria provided, single submitter. Criteria: ICSL Variant Classification Criteria 13 December 2019. Collection method: clinical testing. Allele origin: germline.
Comment: the same text as in the submission from Illumina Laboratory Services, Illumina above.

Breakthrough Genomics
Classification: Benign. Review status: criteria provided, single submitter. Criteria: ACMG Guidelines, 2015. Collection method: not provided. Allele origin: germline. Inheritance: Autosomal recessive inheritance. Affected: yes.